The following is an entry in ClinVar:

ClinVar aggregate classification (germline): Conflicting classifications of pathogenicity. Review status: criteria provided, conflicting classifications (1 of 4 stars). 2 submissions from 2 submitters: Uncertain significance (1); Likely benign (1). Last evaluated 2025-09-02.

Conditions:
Inborn genetic diseases. Identifiers: MedGen C0950123, MeSH D030342.

Allele frequency attached by ClinVar (database versions not stated): gnomAD 0.00003 and 0.00004; gnomAD exomes 0.00004 and 0.00019; ExAC 0.00005; TOPMed 0.00009.
gnomAD v4.1: 52 of 1,210,049 alleles (0.0043%); highest among the groups gnomAD compares: Admixed American, 0.096%; no homozygotes.

Submissions (2):

Labcorp Genetics (formerly Invitae), Labcorp
Classification: Uncertain significance. Last evaluated: 2025-09-02. Review status: criteria provided, single submitter. Criteria: Invitae Variant Classification Sherloc (09022015). Collection method: clinical testing. Allele origin: germline.
Comment: This sequence change replaces valine, which is neutral and non-polar, with isoleucine, which is neutral and non-polar, at codon 407 of the ATP6AP1 protein (p.Val407Ile). The frequency data for this variant in the population databases is considered unreliable, as metrics indicate poor data quality at this position in the gnomAD database. This variant has not been reported in the literature in individuals affected with ATP6AP1-related conditions. ClinVar contains an entry for this variant (Variation ID: 1022306). Invitae Evidence Modeling of protein sequence and biophysical properties (such as structural, functional, and spatial information, amino acid conservation, physicochemical variation, residue mobility, and thermodynamic stability) indicates that this missense variant is not expected to disrupt ATP6AP1 protein function with a negative predictive value of 80%. In summary, the available evidence is currently insufficient to determine the role of this variant in disease. Therefore, it has been classified as a Variant of Uncertain Significance.

Ambry Genetics
Classification: Likely benign for Inborn genetic diseases. Last evaluated: 2022-03-29. Review status: criteria provided, single submitter. Criteria: Ambry Variant Classification Scheme 2023. Collection method: clinical testing. Allele origin: germline.

NM_001183.6(ATP6AP1):c.1219G>A (p.Val407Ile)

Gene: ATP6AP1 (ATPase H+ transporting accessory protein 1; plus strand). Cytogenetic location: Xq28.
Variant type: single nucleotide variant.
Coding change: c.1219G>A on transcript NM_001183.6 (MANE Select); coding-DNA position 1219, G replaced by A.
Protein change: p.Val407Ile; replaces valine 407 with isoleucine.
Molecular consequence: missense variant.
Genome position (GRCh38, 1-based): chrX:154,435,697, G>A. VCF-style: chrX-154435697-G-A. GRCh37 (hg19) VCF-style: chrX-153664043-G-A.
Other names: c.1219G>A (NM_001183.4); short protein forms V407I.
Identifiers: ClinVar variation 1022306 (VCV001022306.7), dbSNP rs782410042, ClinGen allele CA10562795.